The following is an entry in ClinVar:

ClinVar aggregate classification (germline): Conflicting classifications of pathogenicity. Review status: criteria provided, conflicting classifications (1 of 4 stars). 3 submissions from 3 submitters: Uncertain significance (1); Likely benign (1). 1 of the submissions does not count toward it. Last evaluated 2025-12-09.

Conditions:
Inborn genetic diseases. Identifiers: MedGen C0950123, MeSH D030342.
KMT2A-related disorder. Also called: KMT2A-related condition.

Allele frequency attached by ClinVar (database versions not stated): gnomAD 0.00001 and 0.00002; gnomAD exomes 0.00002 and 0.00007; TOPMed 0.00003; ExAC 0.00007; 1000 Genomes Project 30x 0.00016; 1000 Genomes Project 0.00020.
gnomAD v4.1: 39 of 1,614,062 alleles (0.0024%); highest among the groups gnomAD compares: South Asian, 0.033%; no homozygotes.

Submissions (3):

Labcorp Genetics (formerly Invitae), Labcorp
Classification: Uncertain significance. Last evaluated: 2025-12-09. Review status: criteria provided, single submitter. Criteria: Invitae Variant Classification Sherloc (09022015). Collection method: clinical testing. Allele origin: germline.
Comment: This sequence change replaces proline, which is neutral and non-polar, with leucine, which is neutral and non-polar, at codon 1367 of the KMT2A protein (p.Pro1367Leu). This variant is present in population databases (rs550235275, gnomAD 0.05%), and has an allele count higher than expected for a pathogenic variant. This variant has not been reported in the literature in individuals affected with KMT2A-related conditions. ClinVar contains an entry for this variant (Variation ID: 1433628). Invitae Evidence Modeling of protein sequence and biophysical properties (such as structural, functional, and spatial information, amino acid conservation, physicochemical variation, residue mobility, and thermodynamic stability) has been performed for this missense variant. However, the output from this modeling did not meet the statistical confidence thresholds required to predict the impact of this variant on KMT2A protein function. In summary, the available evidence is currently insufficient to determine the role of this variant in disease. Therefore, it has been classified as a Variant of Uncertain Significance.

Ambry Genetics
Classification: Likely benign for Inborn genetic diseases. Last evaluated: 2025-10-07. Review status: criteria provided, single submitter. Criteria: Ambry Variant Classification Scheme 2023. Collection method: clinical testing. Allele origin: germline.

PreventionGenetics, part of Exact Sciences
Classification: Likely benign for KMT2A-related condition. Last evaluated: 2022-09-28. Review status: no assertion criteria provided. Collection method: clinical testing. Allele origin: germline. Not counted in ClinVar's aggregate classification.
Comment: This variant is classified as likely benign based on ACMG/AMP sequence variant interpretation guidelines (Richards et al. 2015 PMID: 25741868, with internal and published modifications).

NM_001197104.2(KMT2A):c.4100C>T (p.Pro1367Leu)

Gene: KMT2A (lysine methyltransferase 2A; plus strand). Cytogenetic location: 11q23.3.
Variant type: single nucleotide variant.
Coding change: c.4100C>T on transcript NM_001197104.2 (MANE Select); coding-DNA position 4100, C replaced by T.
Protein change: p.Pro1367Leu; replaces proline 1367 with leucine.
Molecular consequence: missense variant.
Genome position (GRCh38, 1-based): chr11:118,484,196, C>T. VCF-style: chr11-118484196-C-T. GRCh37 (hg19) VCF-style: chr11-118354911-C-T.
Other names: c.4100C>T, p.Pro1367Leu (NM_005933.4); c.4100C>T (NM_001197104.1); short protein forms P1367L.
Identifiers: ClinVar variation 1433628 (VCV001433628.11), dbSNP rs550235275, ClinGen allele CA6303786.